The following is an entry in ClinVar:

ClinVar aggregate classification (germline): Uncertain significance (3 of 4 stars; one submission).

Conditions:
Open-angle glaucoma. Identifiers: MedGen C0017612, MONDO:0005338, HP:0012108.

Allele frequency attached by ClinVar (database versions not stated): gnomAD exomes below 0.00001.

Submission:

ClinGen Glaucoma Variant Curation Expert Panel
Classification: Uncertain significance for Open-angle glaucoma. Last evaluated: 2026-01-12. Review status: reviewed by expert panel. Criteria: ClinGen Glaucoma ACMG Specifications V2.0.0 Approved. Collection method: curation. Allele origin: germline. Inheritance: Autosomal dominant inheritance.
Comment: The c.1300G>A variant in MYOC is a missense variant predicted to cause substitution of Glycine by Serine at amino acid 434 (p.Gly434Ser). The highest minor allele frequency of this variant was in the European (non-Finnish) genetic ancestry group of gnomAD (v4.1.0) = 0.000001695 (2 alleles out of 1,180,026), which met the ≤ 0.0001 threshold set for PM2_Supporting in a genetic ancestry group of at least 10,000 alleles. The REVEL score = 0.938, which met the ≥ 0.932 threshold for PP3_Strong, predicting a damaging effect on MYOC function. The Gly434Ser protein had similar secretion levels to wild type myocilin protein in this study (PMID: 27092720). The assay did not meet the OddsPath threshold for BS3_Supporting (< 0.48). Only 1 proband with primary open angle glaucoma had been reported (PMID: 12442283), not meeting the ≥ 2 probands threshold required to meet PS4_Supporting. In summary, this variant met the criteria to receive a score of 5 and to be classified as a variant of uncertain significance (uncertain significance classification range -1 to 5, adapted from PMID: 32720330) for primary open angle glaucoma based on the ACMG/AMP criteria met, as specified by the ClinGen Glaucoma VCEP (v2.0.0, 5 Dec 2024): PP3_Strong, PM2_Supporting.

NM_000261.2(MYOC):c.1300G>A (p.Gly434Ser)

Gene: MYOC (myocilin; minus strand). Cytogenetic location: 1q24.3.
Variant type: single nucleotide variant.
Coding change: c.1300G>A on transcript NM_000261.2 (MANE Select); coding-DNA position 1300, G replaced by A.
Protein change: p.Gly434Ser; replaces glycine 434 with serine.
Molecular consequence: missense variant.
Genome position (GRCh38, 1-based): chr1:171,636,140, C>T on the plus strand (G>A on the coding strand, the complement: MYOC is on the minus strand). VCF-style: chr1-171636140-C-T. GRCh37 (hg19) VCF-style: chr1-171605280-C-T.
Other names: NM_000261.2:c.1300G>A; short protein forms G434S.
Identifiers: ClinVar variation 1342206 (VCV001342206.5), dbSNP rs1200513428, ClinGen allele CA343723925.